The following is an entry in ClinVar:

ClinVar aggregate classification (germline): Uncertain significance. Review status: criteria provided, multiple submitters, no conflicts (2 of 4 stars). 6 submissions from 6 submitters: Uncertain significance (6). Last evaluated 2025-11-11.

Conditions:
Cardiovascular phenotype. Identifiers: MedGen CN230736.
Hypertrophic cardiomyopathy 4. Also called: Familial hypertrophic cardiomyopathy 4. Identifiers: MedGen C1861862, MONDO:0007268, OMIM 115197.
Left ventricular noncompaction 10 (LVNC10). Identifiers: Orphanet 154, Orphanet 54260, MedGen C3715165, MONDO:0014163, OMIM 615396.
Cardiomyopathy (CMYO). Also called: Cardiomyopathies. Identifiers: Orphanet 167848, MedGen C0878544, MONDO:0004994, HP:0001638. Inheritance: Various modes of inheritance.
Hypertrophic cardiomyopathy. Also called: HYPERTROPHIC MYOCARDIOPATHY. Identifiers: Orphanet 217569, MedGen C0007194, MeSH D002312, MONDO:0005045, HP:0001639.

Allele frequency attached by ClinVar (database versions not stated): TOPMed 0.00001; gnomAD 0.00002; gnomAD exomes 0.00002; ExAC 0.00004.
gnomAD v4.1: 12 of 1,567,104 alleles (0.00077%); highest among the groups gnomAD compares: East Asian, 0.0071%; no homozygotes.

Submissions (6):

Color Diagnostics, LLC DBA Color Health
Classification: Uncertain significance for Cardiomyopathy. Last evaluated: 2025-11-11. Review status: criteria provided, single submitter. Criteria: ACMG Guidelines, 2015. Collection method: clinical testing. Allele origin: germline.
Comment: This missense variant replaces arginine with histidine at codon 272 of the MYBPC3 protein. Computational prediction tools indicate that this variant has a neutral impact on protein structure and function. To our knowledge, functional studies have not been reported for this variant. This variant has been reported in an individual affected with dilated cardiomyopathy (PMID: 31983221) and in an individual affected with left ventricular noncompaction (PMID: 31918855). This variant has been identified in 12/1567104 chromosomes in the general population by the Genome Aggregation Database (gnomAD). The available evidence is insufficient to determine the role of this variant in disease conclusively. Therefore, this variant is classified as a Variant of Uncertain Significance.

Labcorp Genetics (formerly Invitae), Labcorp
Classification: Uncertain significance for Hypertrophic cardiomyopathy. Last evaluated: 2024-11-30. Review status: criteria provided, single submitter. Criteria: Invitae Variant Classification Sherloc (09022015). Collection method: clinical testing. Allele origin: germline.
Comment: This sequence change replaces arginine, which is basic and polar, with histidine, which is basic and polar, at codon 272 of the MYBPC3 protein (p.Arg272His). The frequency data for this variant in the population databases is considered unreliable, as metrics indicate poor data quality at this position in the gnomAD database. This missense change has been observed in individual(s) with clinical features of MYBPC3-related conditions (PMID: 31918855). ClinVar contains an entry for this variant (Variation ID: 430553). An algorithm developed to predict the effect of missense changes on protein structure and function (PolyPhen-2) suggests that this variant is likely to be disruptive. In summary, the available evidence is currently insufficient to determine the role of this variant in disease. Therefore, it has been classified as a Variant of Uncertain Significance.

Ambry Genetics
Classification: Uncertain significance for Cardiovascular phenotype. Last evaluated: 2024-10-19. Review status: criteria provided, single submitter. Criteria: Ambry Variant Classification Scheme 2023. Collection method: clinical testing. Allele origin: germline.
Comment: The p.R272H variant (also known as c.815G>A), located in coding exon 7 of the MYBPC3 gene, results from a G to A substitution at nucleotide position 815. The arginine at codon 272 is replaced by histidine, an amino acid with highly similar properties. This variant has been reported in association with dilated cardiomyopathy (DCM) and left ventricular non-compaction (LVNC) (Mazzarotto F et al. Circulation, 2020 Feb;141:387-398; Liu S et al. Int J Cardiol, 2020 Mar;302:117-123). This amino acid position is highly conserved in available vertebrate species. In addition, the in silico prediction for this alteration is inconclusive. Based on the available evidence, the clinical significance of this variant remains unclear.

All of Us Research Program, National Institutes of Health
Classification: Uncertain significance for Hypertrophic cardiomyopathy. Last evaluated: 2024-05-17. Review status: criteria provided, single submitter. Criteria: ACMG Guidelines, 2015. Collection method: clinical testing. Allele origin: germline. Inheritance: Autosomal dominant inheritance. Observed: 5 variant alleles, 5 heterozygotes.
Comment: This missense variant replaces arginine with histidine at codon 272 of the MYBPC3 protein. Computational prediction tools indicate that this variant has a neutral impact on protein structure and function. To our knowledge, functional studies have not been reported for this variant. This variant has been reported in one individual affected with dilated cardiomyopathy (PMID: 31983221) and in one individual affected with left ventricular noncompaction (PMID: 31918855). This variant has been identified in 5/207620 chromosomes in the general population by the Genome Aggregation Database (gnomAD). The available evidence is insufficient to determine the role of this variant in disease conclusively. Therefore, this variant is classified as a Variant of Uncertain Significance.

This study involves interpretation of variants in research participants for the purpose of population health screening. Participant phenotype was not available at the time of variant classification. Additional details can be found in publication PMID: 35346344, PMCID: PMC8962531

Fulgent Genetics
Classification: Uncertain significance for Hypertrophic cardiomyopathy 4; Left ventricular noncompaction 10. Last evaluated: 2024-01-02. Review status: criteria provided, single submitter. Criteria: ACMG Guidelines, 2015. Collection method: clinical testing. Allele origin: germline.

GeneDx
Classification: Uncertain significance. Last evaluated: 2017-05-21. Review status: criteria provided, single submitter. Criteria: GeneDx Variant Classification (06012015). Collection method: clinical testing. Allele origin: germline. Affected: yes.
Comment: A variant of uncertain significance has been identified in the MYBPC3 gene. The R272H variant has not been published as pathogenic or been reported as benign to our knowledge. This variant is also not observed at a significant frequency in large population cohorts (Lek et al., 2016; 1000 Genomes Consortium et al., 2015; Exome Variant Server). Additionally, in silico analysis predicts the R272H variant is probably damaging to the protein structure/function. Nevertheless, R272H is a conservative amino acid substitution, which is not likely to impact secondary protein structure as these residues share similar properties. Additionally, this substitution occurs at a position where amino acids with similar properties to arginine (R) are tolerated across species and histidine (H) is the wild-type residue at this position in at least one mammalian species. Furthermore, although a missense variant at the same residue (R272C) has been reported in HGMD in association with cardiomyopathy (Zeller et al., 2006; Hershberger et al., 2010; Millat et al., 2010), the clinical significance of this variant also remains to be definitively determined.

Literature cited by the submitters: PubMed 31918855 (cited by 4 submitters); PubMed 31983221 (cited by 3 submitters); PubMed 23418438 (cited by Ambry Genetics).

NM_000256.3(MYBPC3):c.815G>A (p.Arg272His)

Gene: MYBPC3 (myosin binding protein C3; minus strand). Cytogenetic location: 11p11.2.
Variant type: single nucleotide variant.
Coding change: c.815G>A on transcript NM_000256.3 (MANE Select); coding-DNA position 815, G replaced by A.
Protein change: p.Arg272His; replaces arginine 272 with histidine.
Molecular consequence: missense variant.
Genome position (GRCh38, 1-based): chr11:47,347,863, C>T on the plus strand (G>A on the coding strand, the complement: MYBPC3 is on the minus strand). VCF-style: chr11-47347863-C-T. GRCh37 (hg19) VCF-style: chr11-47369414-C-T.
Other names: c.815G>A, p.Arg272His (LRG_386t1); short protein forms R272H.
Identifiers: ClinVar variation 430553 (VCV000430553.16), dbSNP rs759515993, ClinGen allele CA056903.
Genomic context (GRCh38, chr11:47,347,863, plus strand): 5'-AGGGCCTCAGACTCCAGCACTGGCCTCCCCCAGGCCCTGAGGATGGCCACTCACGTGCGG[C>T]GGAAGGCTGATAGGAGGTCCAGGTCTCCGGTGCCCATGGCCTCTGGGTTCAAAGGGTGGA-3'
Protein context (NP_000247.2, residues 262-282): TGDLDLLSAF[Arg272His]RTSLAGGGRR